The following is an entry in ClinVar:

NM_003849.4(SUCLG1):c.25G>T (p.Ala9Ser)

Gene: SUCLG1 (succinate-CoA ligase GDP/ADP-forming subunit alpha; minus strand). Cytogenetic location: 2p11.2.
Variant type: single nucleotide variant.
Coding change: c.25G>T on transcript NM_003849.4 (MANE Select); coding-DNA position 25, G replaced by T.
Protein change: p.Ala9Ser; replaces alanine 9 with serine.
Molecular consequence: missense variant.
Genome position (GRCh38, 1-based): chr2:84,459,245, C>A on the plus strand (G>T on the coding strand, the complement: SUCLG1 is on the minus strand). VCF-style: chr2-84459245-C-A. GRCh37 (hg19) VCF-style: chr2-84686369-C-A.
Other names: short protein forms A9S.
Identifiers: ClinVar variation 2162850 (VCV002162850.1), dbSNP rs1387019183, ClinGen allele CA347518591.

ClinVar aggregate classification (germline): Uncertain significance (1 of 4 stars; one submission).

Conditions:
Mitochondrial DNA depletion syndrome 9 (MTDPS9). Also called: SUCLG1-Related Mitochondrial DNA Depletion Syndrome, Encephalomyopathic Form with Methylmalonic Aciduria. Identifiers: Orphanet 17, MedGen C3151476, MONDO:0009504, OMIM 245400.

Allele frequency attached by ClinVar (database versions not stated): TOPMed 0.00001.
gnomAD v4.1: 1 of 1,550,678 alleles (0.000064%); highest among the groups gnomAD compares: Admixed American, 0.002%; no homozygotes.

Submission:

Labcorp Genetics (formerly Invitae), Labcorp
Classification: Uncertain significance for Mitochondrial DNA depletion syndrome 9. Last evaluated: 2022-05-13. Review status: criteria provided, single submitter. Criteria: Invitae Variant Classification Sherloc (09022015). Collection method: clinical testing. Allele origin: germline.
Comment: This sequence change replaces alanine, which is neutral and non-polar, with serine, which is neutral and polar, at codon 9 of the SUCLG1 protein (p.Ala9Ser). The frequency data for this variant in the population databases is considered unreliable, as metrics indicate poor data quality at this position in the gnomAD database. This variant has not been reported in the literature in individuals affected with SUCLG1-related conditions. Algorithms developed to predict the effect of missense changes on protein structure and function are either unavailable or do not agree on the potential impact of this missense change (SIFT: "Deleterious"; PolyPhen-2: "Not Available"; Align-GVGD: "Class C0"). In summary, the available evidence is currently insufficient to determine the role of this variant in disease. Therefore, it has been classified as a Variant of Uncertain Significance.